The following is an entry in ClinVar:

NM_023932.4(DLK2):c.1036G>T (p.Ala346Ser)

Genes: ABCC10 (ATP binding cassette subfamily C member 10; plus strand), DLK2 (delta like non-canonical Notch ligand 2; minus strand). Cytogenetic location: 6p21.1.
Variant type: single nucleotide variant.
Coding change: c.1036G>T on transcript NM_023932.4 (MANE Select); coding-DNA position 1036, G replaced by T.
Protein change: p.Ala346Ser; replaces alanine 346 with serine.
Molecular consequence: missense variant.
Genome position (GRCh38, 1-based): chr6:43,450,655, C>A on the plus strand (G>T on the coding strand, the complement: DLK2 is on the minus strand). VCF-style: chr6-43450655-C-A. GRCh37 (hg19) VCF-style: chr6-43418393-C-A.
Other names: c.925G>T, p.Ala309Ser (NM_001286655.1); c.1018G>T, p.Ala340Ser (NM_001286656.2); c.1036G>T, p.Ala346Ser (NM_206539.2); short protein forms A309S, A340S, A346S.
Identifiers: ClinVar variation 2656601 (VCV002656601.24), dbSNP rs2481239448, ClinGen allele CA364269431.
Genomic context (GRCh38, chr6:43,450,655, plus strand): 5'-CTGCTGGCAGCATGCTAACCTGACACTCCTGGTCCTGGCACGCTGGAGCATAGTGTGGGG[C>A]AGGGTAGCAACAGGGTCCAGGGGGGCAGACACCCCGGCGCCAGGCCCTCAGGGTCAGCAA-3'
Protein context (NP_076421.2, residues 336-356): VCPPGPCCYP[Ala346Ser]PHYAPACQDQ

ClinVar aggregate classification (germline): Uncertain significance (1 of 4 stars; one submission).

Submission:

CeGaT Center for Human Genetics Tuebingen
Classification: Uncertain significance. Last evaluated: 2023-09-01. Review status: criteria provided, single submitter. Criteria: CeGaT Center For Human Genetics Tuebingen Variant Classification Criteria Version 2. Collection method: clinical testing. Allele origin: germline. Affected: yes. Observed: 1 variant allele.
Comment: DLK2: PM2, BP4